The following is an entry in ClinVar:

ClinVar aggregate classification (germline): Benign. Review status: criteria provided, single submitter (1 of 4 stars). 2 submissions from 1 submitter: Benign (2). Last evaluated 2018-01-12.

Conditions:
Hypophosphatemic rickets, autosomal recessive, 2 (ARHR2). Identifiers: Orphanet 289176, MedGen C2750078, MONDO:0013219, OMIM 613312.
Arterial calcification, generalized, of infancy, 1 (GACI1). Also called: Idiopathic Infantile Arterial Calcification. Identifiers: Orphanet 51608, MedGen C4551985, MONDO:0008817, OMIM 208000.

Allele frequency attached by ClinVar (database versions not stated): gnomAD exomes 0.02500; gnomAD 0.11682 and 0.12323; 1000 Genomes Project 0.11701; 1000 Genomes Project 30x 0.12242; TOPMed 0.13076.
gnomAD v4.1: 17,753 of 152,112 alleles (12%); highest among the groups gnomAD compares: African/African-American, 30%; 1,951 homozygotes.

Submissions (2):

Illumina Laboratory Services, Illumina
Classification: Benign for Hypophosphatemic rickets, autosomal recessive, 2. Last evaluated: 2018-01-12. Review status: criteria provided, single submitter. Criteria: ICSL Variant Classification Criteria 13 December 2019. Collection method: clinical testing. Allele origin: germline.
Comment: This variant was observed in the ICSL laboratory as part of a predisposition screen in an ostensibly healthy population. It had not been previously curated by ICSL or reported in the Human Gene Mutation Database (HGMD: prior to June 1st, 2018), and was therefore a candidate for classification through an automated scoring system. Utilizing variant allele frequency, disease prevalence and penetrance estimates, and inheritance mode, an automated score was calculated to assess if this variant is too frequent to cause the disease. Based on the score and internal cut-off values, a variant classified as benign is not then subjected to further curation. The score for this variant resulted in a classification of benign for this disease.

Illumina Laboratory Services, Illumina
Classification: Benign for Arterial calcification, generalized, of infancy, 1. Last evaluated: 2018-01-12. Review status: criteria provided, single submitter. Criteria: ICSL Variant Classification Criteria 13 December 2019. Collection method: clinical testing. Allele origin: germline.
Comment: the same text as in the submission from Illumina Laboratory Services, Illumina above.

NM_006208.3(ENPP1):c.*699T>A

Gene: ENPP1 (ectonucleotide pyrophosphatase/phosphodiesterase 1; plus strand). Cytogenetic location: 6q23.2.
Variant type: single nucleotide variant.
Coding change: c.*699T>A on transcript NM_006208.3 (MANE Select); 699 bases downstream of the stop codon, T replaced by A.
Molecular consequence: 3 prime UTR variant.
Genome position (GRCh38, 1-based): chr6:131,891,210, T>A. VCF-style: chr6-131891210-T-A. GRCh37 (hg19) VCF-style: chr6-132212350-T-A.
Identifiers: ClinVar variation 355369 (VCV000355369.5), dbSNP rs34142005, ClinGen allele CA10622942.